The following is an entry in ClinVar:

NM_012330.4(KAT6B):c.3069del (p.Glu1024fs)

Gene: KAT6B (lysine acetyltransferase 6B; plus strand). Cytogenetic location: 10q22.2.
Variant type: Deletion.
Coding change: c.3069del on transcript NM_012330.4 (MANE Select); coding-DNA position 3069, one base deleted (A; older notation c.3069delA).
Protein change: p.Glu1024fs; shifts the reading frame from glutamic acid 1024.
Molecular consequence: frameshift variant.
Genome position (GRCh38, 1-based): chr10:75,021,928, A deleted; the last of 2 consecutive A bases (chr10:75,021,927-75,021,928); deleting either gives the same sequence. VCF-style (leftmost placement, unchanged base first): chr10-75021926-CA-C. GRCh37 (hg19) VCF-style: chr10-76781684-CA-C.
Other names: c.2520del, p.Glu841fs (NM_001256468.2, NM_001370138.1); c.2193del, p.Glu732fs (NM_001256469.2, NM_001370139.1, NM_001370140.1 and 2 more transcripts); c.2031del, p.Glu678fs (NM_001370132.1); c.1380del, p.Glu461fs (NM_001370133.1); c.984del, p.Glu329fs (NM_001370134.1); c.726del, p.Glu243fs (NM_001370135.1); c.3069del, p.Glu1024fs (NM_001370136.1, NM_001370137.1); c.2004del, p.Glu669fs (NM_001370143.1, NM_001370144.1); short protein forms E841fs, E1024fs, E243fs, E461fs, E669fs, E678fs, E732fs, E329fs.
Identifiers: ClinVar variation 2758856 (VCV002758856.3), dbSNP rs2549168678, ClinGen allele CA2697558496.

ClinVar aggregate classification (germline): Pathogenic (1 of 4 stars; one submission).

Conditions:
Genitopatellar syndrome (GTPTS). Also called: ABSENT PATELLAE, SCROTAL HYPOPLASIA, RENAL ANOMALIES, FACIAL DYSMORPHISM, AND MENTAL RETARDATION; Genitopatellar syndrome (GPS). Identifiers: Orphanet 85201, MedGen C1853566, MONDO:0011640, OMIM 606170.

Submission:

Labcorp Genetics (formerly Invitae), Labcorp
Classification: Pathogenic for Genitopatellar syndrome. Last evaluated: 2023-09-08. Review status: criteria provided, single submitter. Criteria: Invitae Variant Classification Sherloc (09022015). Collection method: clinical testing. Allele origin: germline.
Comment: This sequence change creates a premature translational stop signal (p.Glu1024Lysfs*90) in the KAT6B gene. It is expected to result in an absent or disrupted protein product. Loss-of-function variants in KAT6B are known to be pathogenic (PMID: 22077973, 23436491, 25424711). This variant is not present in population databases (gnomAD no frequency). This variant has not been reported in the literature in individuals affected with KAT6B-related conditions. For these reasons, this variant has been classified as Pathogenic.

Literature cited by the submitters: PubMed 22077973; PubMed 23436491; PubMed 25424711.